The following is an entry in ClinVar:

ClinVar aggregate classification (germline): Pathogenic (1 of 4 stars; one submission).

Conditions:
Duchenne muscular dystrophy (DMD). Also called: MUSCULAR DYSTROPHY, PSEUDOHYPERTROPHIC PROGRESSIVE, DUCHENNE TYPE; Duchenne Muscular Dystrophy (DMD). Identifiers: Orphanet 98896, MedGen C0013264, MONDO:0010679, OMIM 310200.

Submission:

Labcorp Genetics (formerly Invitae), Labcorp
Classification: Pathogenic for Duchenne muscular dystrophy. Last evaluated: 2018-11-12. Review status: criteria provided, single submitter. Criteria: Invitae Variant Classification Sherloc (09022015). Collection method: clinical testing. Allele origin: germline.
Comment: This variant has not been reported in the literature in individuals with DMD-related disease. This sequence change creates a premature translational stop signal (p.Gln2350Phefs*18) in the DMD gene. It is expected to result in an absent or disrupted protein product. This variant is not present in population databases (ExAC no frequency). Loss-of-function variants in DMD are known to be pathogenic (PMID: 16770791, 25007885). For these reasons, this variant has been classified as Pathogenic.

Literature cited by the submitters: PubMed 16770791; PubMed 25007885.

NM_004006.3(DMD):c.7048_7057del (p.Gln2350fs)

Gene: DMD (dystrophin; minus strand). Cytogenetic location: Xp21.1.
Variant type: Deletion.
Coding change: c.7048_7057del on transcript NM_004006.3 (MANE Select); coding-DNA positions 7048 to 7057, 10 bases deleted (CAGTTGGAAA; older notation c.7048_7057delCAGTTGGAAA).
Protein change: p.Gln2350fs; shifts the reading frame from glutamine 2350.
Molecular consequence: frameshift variant. On other transcripts: 5 prime UTR variant (5).
Genome position (GRCh38, 1-based): chrX:31,875,229-31,875,238, TTTCCAACTG deleted on the plus strand (CAGTTGGAAA on the coding strand, the reverse complement: DMD is on the minus strand). VCF-style (leftmost placement, unchanged base first): chrX-31875228-ATTTCCAACTG-A. GRCh37 (hg19) VCF-style: chrX-31893345-ATTTCCAACTG-A.
Other names: c.7024_7033del, p.Gln2342fs (NM_000109.4); c.7036_7045del, p.Gln2346fs (NM_004009.3); c.6679_6688del, p.Gln2227fs (NM_004010.3); c.3025_3034del, p.Gln1009fs (NM_004011.4); c.3016_3025del, p.Gln1006fs (NM_004012.4); c.-333_-324del (NM_004013.3, NM_004020.4, NM_004021.3 and 2 more transcripts); c.7048_7057delCAGTTGGAAA (NM_004006.2); short protein forms Q2346fs, Q2350fs, Q1006fs, Q1009fs, Q2227fs, Q2342fs.
Identifiers: ClinVar variation 639718 (VCV000639718.7), dbSNP rs1603513697, ClinGen allele CA915950901.